The following is an entry in ClinVar:

NM_177939.3(P4HTM):c.888-3C>A

Gene: P4HTM (prolyl 4-hydroxylase, transmembrane; plus strand). Cytogenetic location: 3p21.31.
Variant type: single nucleotide variant.
Coding change: c.888-3C>A on transcript NM_177939.3 (MANE Select); 3 bases into the intron before coding-DNA position 888, C replaced by A.
Molecular consequence: intron variant.
Genome position (GRCh38, 1-based): chr3:49,004,858, C>A. VCF-style: chr3-49004858-C-A. GRCh37 (hg19) VCF-style: chr3-49042291-C-A.
Other names: c.888-3C>A (NM_177938.2).
Identifiers: ClinVar variation 1030359 (VCV001030359.1), dbSNP rs1388946044, ClinGen allele CA1363279431.

ClinVar aggregate classification (germline): Uncertain significance (1 of 4 stars; one submission).

Conditions:
Hypotonia, hypoventilation, impaired intellectual development, dysautonomia, epilepsy, and eye abnormalities. Also called: HYPOTONIA, HYPERVENTILATION, IMPAIRED INTELLECTUAL DEVELOPMENT, DYSAUTONOMIA, EPILEPSY, AND EYE ABNORMALITIES. Identifiers: MedGen C5193124, MONDO:0032780, OMIM 618493.

Submission:

Baylor Genetics
Classification: Uncertain significance for Hypotonia, hypoventilation, impaired intellectual development, dysautonomia, epilepsy, and eye abnormalities. Last evaluated: 2020-05-05. Review status: criteria provided, single submitter. Criteria: ACMG Guidelines, 2015. Collection method: clinical testing. Allele origin: unknown. Affected: yes.
Comment: This variant was determined to be of uncertain significance according to ACMG Guidelines, 2015 [PMID:25741868].